The following is an entry in ClinVar:

ClinVar aggregate classification (germline): Benign/Likely benign. Review status: criteria provided, multiple submitters, no conflicts (2 of 4 stars). 2 submissions from 2 submitters: Benign (1); Likely benign (1). Last evaluated 2025-01-31.

Conditions:
Hereditary cancer-predisposing syndrome. Also called: Hereditary neoplastic syndrome; Tumor predisposition; Hereditary Cancer Syndrome; Neoplastic Syndromes, Hereditary. Identifiers: Orphanet 140162, MedGen C0027672, MeSH D009386, MONDO:0015356.
Lynch syndrome 4 (LYNCH4). Also called: Colorectal cancer, hereditary nonpolyposis, type 4; Hereditary non-polyposis colorectal cancer, type 4. Identifiers: Orphanet 144, MedGen C1838333, MONDO:0013699, OMIM 614337. Disease mechanism: loss of function.

Submissions (2):

Myriad Genetics, Inc.
Classification: Benign for Lynch syndrome 4. Last evaluated: 2025-01-31. Review status: criteria provided, single submitter. Criteria: Myriad Autosomal Dominant, Autosomal Recessive and X-Linked Classification Criteria (2023). Collection method: clinical testing. Allele origin: unknown.
Comment: This variant is considered benign. This variant is a silent/synonymous amino acid change and it is not expected to impact splicing.

Ambry Genetics
Classification: Likely benign for Hereditary cancer-predisposing syndrome. Last evaluated: 2023-08-26. Review status: criteria provided, single submitter. Criteria: Ambry Variant Classification Scheme 2023. Collection method: clinical testing. Allele origin: germline.

NM_000535.7(PMS2):c.1659A>C (p.Ser553=)

Gene: PMS2 (PMS1 homolog 2, mismatch repair system component; minus strand). Cytogenetic location: 7p22.1.
Variant type: single nucleotide variant.
Coding change: c.1659A>C on transcript NM_000535.7 (MANE Select); coding-DNA position 1659, A replaced by C.
Protein change: p.Ser553=; no amino-acid change (serine 553 retained).
Molecular consequence: synonymous variant. On other transcripts: non-coding transcript variant (1), intron variant (1).
Genome position (GRCh38, 1-based): chr7:5,987,106, T>G on the plus strand (A>C on the coding strand, the complement: PMS2 is on the minus strand). VCF-style: chr7-5987106-T-G. GRCh37 (hg19) VCF-style: chr7-6026737-T-G.
Other names: c.1254A>C, p.Ser418= (NM_001322004.2, NM_001018040.1, NM_001322003.2 and 17 more transcripts); c.1341A>C, p.Ser447= (NM_001322007.2, NM_001322008.2, NM_001406876.1 and 2 more transcripts); c.1503A>C, p.Ser501= (NM_001322006.2, NM_001406870.1); c.1098A>C, p.Ser366= (NM_001322010.2, NM_001406906.1, NM_001406907.1); c.726A>C, p.Ser242= (NM_001322011.2, NM_001322012.2); c.1086A>C, p.Ser362= (NM_001322013.2, NM_001406909.1); c.1659A>C, p.Ser553= (NM_001322014.2, NM_001406871.1, NM_001406872.1); c.1350A>C, p.Ser450= (NM_001322015.2, NM_001406875.1, NM_001406877.1 and 5 more transcripts); and 13 more.
Identifiers: ClinVar variation 2586344 (VCV002586344.3), dbSNP rs2128725850, ClinGen allele CA453746231.